The following is an entry in ClinVar:

NM_019098.5(CNGB3):c.77G>A (p.Arg26Gln)

Gene: CNGB3 (cyclic nucleotide gated channel subunit beta 3; minus strand). Cytogenetic location: 8q21.3.
Variant type: single nucleotide variant.
Coding change: c.77G>A on transcript NM_019098.5 (MANE Select); coding-DNA position 77, G replaced by A.
Protein change: p.Arg26Gln; replaces arginine 26 with glutamine.
Molecular consequence: missense variant.
Genome position (GRCh38, 1-based): chr8:86,743,551, C>T on the plus strand (G>A on the coding strand, the complement: CNGB3 is on the minus strand). VCF-style: chr8-86743551-C-T. GRCh37 (hg19) VCF-style: chr8-87755779-C-T.
Other names: short protein forms R26Q.
Identifiers: ClinVar variation 2176137 (VCV002176137.1), dbSNP rs972916386, ClinGen allele CA180876021.
Genomic context (GRCh38, chr8:86,743,551, plus strand): 5'-GGACATACCTGTGCTGTGGTTTGCTGAGACTGATTACTTGGGTGAGAGCCTTCTTCATTC[C>T]GACGAGAACTTTGTTCATTCTCATTGTTCTCTCCTATAGGCTTCACCTTGTTGACTTTTG-3'
Protein context (NP_061971.3, residues 16-36): ENNENEQSSR[Arg26Gln]NEEGSHPSNQ

ClinVar aggregate classification (germline): Uncertain significance (1 of 4 stars; one submission).

Allele frequency attached by ClinVar (database versions not stated): gnomAD 0.00001; TOPMed 0.00001.
gnomAD v4.1: 30 of 1,613,868 alleles (0.0019%); highest among the groups gnomAD compares: Admixed American, 0.0033%; no homozygotes.

Submission:

Labcorp Genetics (formerly Invitae), Labcorp
Classification: Uncertain significance. Last evaluated: 2022-08-29. Review status: criteria provided, single submitter. Criteria: Invitae Variant Classification Sherloc (09022015). Collection method: clinical testing. Allele origin: germline.
Comment: This sequence change replaces arginine, which is basic and polar, with glutamine, which is neutral and polar, at codon 26 of the CNGB3 protein (p.Arg26Gln). This variant is present in population databases (no rsID available, gnomAD 0.003%). This variant has not been reported in the literature in individuals affected with CNGB3-related conditions. Advanced modeling of protein sequence and biophysical properties (such as structural, functional, and spatial information, amino acid conservation, physicochemical variation, residue mobility, and thermodynamic stability) performed at Invitae indicates that this missense variant is not expected to disrupt CNGB3 protein function. In summary, the available evidence is currently insufficient to determine the role of this variant in disease. Therefore, it has been classified as a Variant of Uncertain Significance.